The following is an entry in ClinVar:

ClinVar aggregate classification (germline): Uncertain significance (1 of 4 stars; one submission).

Allele frequency attached by ClinVar (database versions not stated): gnomAD exomes below 0.00001; gnomAD 0.00001; TOPMed 0.00004.
gnomAD v4.1: 5 of 1,559,064 alleles (0.00032%); highest among the groups gnomAD compares: African/African-American, 0.0041%; no homozygotes.

Submission:

Labcorp Genetics (formerly Invitae), Labcorp
Classification: Uncertain significance. Last evaluated: 2021-12-28. Review status: criteria provided, single submitter. Criteria: Invitae Variant Classification Sherloc (09022015). Collection method: clinical testing. Allele origin: germline.
Comment: In summary, the available evidence is currently insufficient to determine the role of this variant in disease. Therefore, it has been classified as a Variant of Uncertain Significance. Advanced modeling of protein sequence and biophysical properties (such as structural, functional, and spatial information, amino acid conservation, physicochemical variation, residue mobility, and thermodynamic stability) performed at Invitae indicates that this missense variant is not expected to disrupt COQ8B protein function. This variant has not been reported in the literature in individuals affected with COQ8B-related conditions. This variant is present in population databases (no rsID available, gnomAD 0.03%). This sequence change replaces glycine, which is neutral and non-polar, with aspartic acid, which is acidic and polar, at codon 124 of the COQ8B protein (p.Gly124Asp).

NM_024876.4(COQ8B):c.371G>A (p.Gly124Asp)

Gene: COQ8B (coenzyme Q8B; minus strand). Cytogenetic location: 19q13.2.
Variant type: single nucleotide variant.
Coding change: c.371G>A on transcript NM_024876.4 (MANE Select); coding-DNA position 371, G replaced by A.
Protein change: p.Gly124Asp; replaces glycine 124 with aspartic acid.
Molecular consequence: missense variant. On other transcripts: intron variant (1).
Genome position (GRCh38, 1-based): chr19:40,705,444, C>T on the plus strand (G>A on the coding strand, the complement: COQ8B is on the minus strand). VCF-style: chr19-40705444-C-T. GRCh37 (hg19) VCF-style: chr19-41211349-C-T.
Other names: c.368-263G>A (NM_001142555.3); short protein forms G124D.
Identifiers: ClinVar variation 1383901 (VCV001383901.6), dbSNP rs930019602, ClinGen allele CA308446040.